The following is an entry in ClinVar:

ClinVar aggregate classification (germline): Uncertain significance (1 of 4 stars; one submission).

Allele frequency attached by ClinVar (database versions not stated): gnomAD exomes below 0.00001; gnomAD 0.00003.
gnomAD v4.1: 5 of 1,586,952 alleles (0.00032%); highest among the groups gnomAD compares: Admixed American, 0.0089%; no homozygotes.

Submission:

Labcorp Genetics (formerly Invitae), Labcorp
Classification: Uncertain significance. Last evaluated: 2022-04-09. Review status: criteria provided, single submitter. Criteria: Invitae Variant Classification Sherloc (09022015). Collection method: clinical testing. Allele origin: germline.
Comment: In summary, the available evidence is currently insufficient to determine the role of this variant in disease. Therefore, it has been classified as a Variant of Uncertain Significance. Variants that disrupt the consensus splice site are a relatively common cause of aberrant splicing (PMID: 17576681, 9536098). Algorithms developed to predict the effect of sequence changes on RNA splicing suggest that this variant may disrupt the consensus splice site. This variant has not been reported in the literature in individuals affected with SRP54-related conditions. This variant is present in population databases (no rsID available, gnomAD 0.003%). This sequence change falls in intron 13 of the SRP54 gene. It does not directly change the encoded amino acid sequence of the SRP54 protein. It affects a nucleotide within the consensus splice site.

Literature cited by the submitters: PubMed 17576681; PubMed 9536098.

NM_003136.4(SRP54):c.1157-3C>T

Gene: SRP54 (signal recognition particle 54; plus strand). Cytogenetic location: 14q13.2.
Variant type: single nucleotide variant.
Coding change: c.1157-3C>T on transcript NM_003136.4 (MANE Select); 3 bases into the intron before coding-DNA position 1157, C replaced by T.
Molecular consequence: intron variant.
Genome position (GRCh38, 1-based): chr14:35,022,907, C>T. VCF-style: chr14-35022907-C-T. GRCh37 (hg19) VCF-style: chr14-35492113-C-T.
Other names: c.1010-3C>T (NM_001146282.2).
Identifiers: ClinVar variation 1976925 (VCV001976925.5), dbSNP rs1209858469, ClinGen allele CA613364147.